The following is an entry in ClinVar:

NM_006073.4(TRDN):c.1135+10A>T

Gene: TRDN (triadin; minus strand). Cytogenetic location: 6q22.31.
Variant type: single nucleotide variant.
Coding change: c.1135+10A>T on transcript NM_006073.4 (MANE Select); 10 bases into the intron after coding-DNA position 1135, A replaced by T.
Molecular consequence: intron variant.
Genome position (GRCh38, 1-based): chr6:123,388,512, T>A on the plus strand (A>T on the coding strand, the complement: TRDN is on the minus strand). VCF-style: chr6-123388512-T-A. GRCh37 (hg19) VCF-style: chr6-123709657-T-A.
Other names: c.1138+10A>T (NM_001251987.2).
Identifiers: ClinVar variation 514523 (VCV000514523.11), dbSNP rs765785141, ClinGen allele CA3984117.

ClinVar aggregate classification (germline): Likely benign. Review status: criteria provided, multiple submitters, no conflicts (2 of 4 stars). 2 submissions from 2 submitters: Likely benign (2). Last evaluated 2025-12-29.

Conditions:
Catecholaminergic polymorphic ventricular tachycardia 1. Also called: VENTRICULAR TACHYCARDIA, CATECHOLAMINERGIC POLYMORPHIC, 1, WITH OR WITHOUT ATRIAL DYSFUNCTION AND/OR DILATED CARDIOMYOPATHY; RYR2-Related Catecholaminergic Polymorphic Ventricular Tachycardia; VENTRICULAR TACHYCARDIA, STRESS-INDUCED POLYMORPHIC 1. Identifiers: Orphanet 3286, MedGen C1631597, MONDO:0011484, OMIM 604772.

Allele frequency attached by ClinVar (database versions not stated): gnomAD exomes 0.00001 and 0.00002; ExAC 0.00002.
gnomAD v4.1: 9 of 1,585,592 alleles (0.00057%); highest among the groups gnomAD compares: Non-Finnish European, 0.00077%; no homozygotes.

Submissions (2):

Labcorp Genetics (formerly Invitae), Labcorp
Classification: Likely benign for Catecholaminergic polymorphic ventricular tachycardia 1. Last evaluated: 2025-12-29. Review status: criteria provided, single submitter. Criteria: Invitae Variant Classification Sherloc (09022015). Collection method: clinical testing. Allele origin: germline.

GeneDx
Classification: Likely benign. Last evaluated: 2018-01-04. Review status: criteria provided, single submitter. Criteria: GeneDx Variant Classification (06012015). Collection method: clinical testing. Allele origin: germline. Affected: yes.
Comment: This variant is considered likely benign or benign based on one or more of the following criteria: it is a conservative change, it occurs at a poorly conserved position in the protein, it is predicted to be benign by multiple in silico algorithms, and/or has population frequency not consistent with disease.